The following is an entry in ClinVar:

NM_001128922.2(LRRC32):c.921del (p.Asn308fs)

Genes: LRRC32 (leucine rich repeat containing 32; minus strand), LRRC32-AS1 (LRRC32 antisense RNA 1; plus strand). Cytogenetic location: 11q13.5.
Variant type: Deletion.
Coding change: c.921del on transcript NM_001128922.2 (MANE Select); coding-DNA position 921, one base deleted (G; older notation c.921delG).
Protein change: p.Asn308fs; shifts the reading frame from asparagine 308.
Molecular consequence: frameshift variant. On other transcripts: non-coding transcript variant (1), intron variant (1).
Genome position (GRCh38, 1-based): chr11:76,660,672, C deleted on the plus strand (G on the coding strand, the reverse complement: LRRC32 is on the minus strand); the first of 3 consecutive C bases (chr11:76,660,672-76,660,674); deleting any one gives the same sequence. VCF-style (leftmost placement, unchanged base first): chr11-76660671-TC-T. GRCh37 (hg19) VCF-style: chr11-76371715-TC-T.
Other names: c.921del, p.Asn308fs (NM_001370187.1, NM_001370188.1, NM_005512.3); c.855del, p.Asn286fs (NM_001370189.1); c.591del, p.Asn198fs (NM_001370190.1); c.85-2638del (NM_001370191.1); short protein forms N198fs, N286fs, N308fs.
Identifiers: ClinVar variation 4850147 (VCV004850147.1).

ClinVar aggregate classification (germline): Likely pathogenic (1 of 4 stars; one submission).

Conditions:
Cleft palate, proliferative retinopathy, and developmental delay. Identifiers: MedGen C5436739, MONDO:0033641, OMIM 619074.

Submission:

Variantyx, Inc.
Classification: Likely pathogenic for Cleft palate, proliferative retinopathy, and developmental delay. Last evaluated: 2025-04-30. Review status: criteria provided, single submitter. Criteria: Variantyx Assertion Criteria 2022. Collection method: clinical testing. Allele origin: germline. Inheritance: Autosomal recessive inheritance. Affected: no.
Comment: This is a frameshift variant in the LRRC32 gene (OMIM: 137207). Pathogenic variants in this gene have been associated with autosomal recessive Cleft palate, proliferative retinopathy, and developmental delay. This variant introduces a premature termination codon in exon 3 out of 3 and is expected to result in loss of function, which is a known disease mechanism for LRRC32 in this disorder (PMID: 30976112) (PVS1). This variant is absent from control populations (PM2) and it has not been reported in individuals with LRRC32-related disorders in the databases available for review. Based on the current evidence, this variant is classified as likely pathogenic for autosomal recessive Cleft palate, proliferative retinopathy, and developmental delay.

Literature cited by the submitters: PubMed 30976112.